The following is an entry in ClinVar:

NM_006929.5(SKIC2):c.3279G>C (p.Glu1093Asp)

Gene: SKIC2 (SKI2 subunit of superkiller complex; plus strand). Cytogenetic location: 6p21.33.
Variant type: single nucleotide variant.
Coding change: c.3279G>C on transcript NM_006929.5 (MANE Select); coding-DNA position 3279, G replaced by C.
Protein change: p.Glu1093Asp; replaces glutamic acid 1093 with aspartic acid.
Molecular consequence: missense variant.
Genome position (GRCh38, 1-based): chr6:31,968,969, G>C. VCF-style: chr6-31968969-G-C. GRCh37 (hg19) VCF-style: chr6-31936746-G-C.
Other names: short protein forms E1093D.
Identifiers: ClinVar variation 2165521 (VCV002165521.1), dbSNP rs2483004877, ClinGen allele CA363487721.

ClinVar aggregate classification (germline): Uncertain significance (1 of 4 stars; one submission).

Allele frequency attached by ClinVar (database versions not stated): gnomAD exomes 0.00001.
gnomAD v4.1: 6 of 1,612,976 alleles (0.00037%); highest among the groups gnomAD compares: Middle Eastern, 0.099%; no homozygotes.

Submission:

Labcorp Genetics (formerly Invitae), Labcorp
Classification: Uncertain significance. Last evaluated: 2021-12-19. Review status: criteria provided, single submitter. Criteria: Invitae Variant Classification Sherloc (09022015). Collection method: clinical testing. Allele origin: germline.
Comment: This sequence change replaces glutamic acid, which is acidic and polar, with aspartic acid, which is acidic and polar, at codon 1093 of the SKIV2L protein (p.Glu1093Asp). This variant is not present in population databases (gnomAD no frequency). This variant has not been reported in the literature in individuals affected with SKIV2L-related conditions. Algorithms developed to predict the effect of missense changes on protein structure and function (SIFT, PolyPhen-2, Align-GVGD) all suggest that this variant is likely to be disruptive. In summary, the available evidence is currently insufficient to determine the role of this variant in disease. Therefore, it has been classified as a Variant of Uncertain Significance.